The following is an entry in ClinVar:

NM_000051.4(ATM):c.1183G>T (p.Val395Leu)

Gene: ATM (ATM serine/threonine kinase; plus strand). Cytogenetic location: 11q22.3.
Variant type: single nucleotide variant.
Coding change: c.1183G>T on transcript NM_000051.4 (MANE Select); coding-DNA position 1183, G replaced by T.
Protein change: p.Val395Leu; replaces valine 395 with leucine.
Molecular consequence: missense variant.
Genome position (GRCh38, 1-based): chr11:108,249,050, G>T. VCF-style: chr11-108249050-G-T. GRCh37 (hg19) VCF-style: chr11-108119777-G-T.
Other names: c.1183G>T, p.Val395Leu (NM_001351834.2); short protein forms V395L.
Identifiers: ClinVar variation 1742859 (VCV001742859.2), dbSNP rs2135294163, ClinGen allele CA382532554.

ClinVar aggregate classification (germline): Uncertain significance (1 of 4 stars; one submission).

Conditions:
Hereditary cancer-predisposing syndrome. Also called: Hereditary Cancer Syndrome; Hereditary neoplastic syndrome; Neoplastic Syndromes, Hereditary; Tumor predisposition. Identifiers: Orphanet 140162, MedGen C0027672, MeSH D009386, MONDO:0015356.

Submission:

Ambry Genetics
Classification: Uncertain significance for Hereditary cancer-predisposing syndrome. Last evaluated: 2021-02-17. Review status: criteria provided, single submitter. Criteria: Ambry Variant Classification Scheme 2023. Collection method: clinical testing. Allele origin: germline.
Comment: The p.V395L variant (also known as c.1183G>T), located in coding exon 8 of the ATM gene, results from a G to T substitution at nucleotide position 1183. The valine at codon 395 is replaced by leucine, an amino acid with highly similar properties. This amino acid position is well conserved in available vertebrate species. In addition, this alteration is predicted to be tolerated by in silico analysis. Since supporting evidence is limited at this time, the clinical significance of this alteration remains unclear.